The following is an entry in ClinVar:

ClinVar aggregate classification (germline): Uncertain significance. Review status: criteria provided, multiple submitters, no conflicts (2 of 4 stars). 2 submissions from 2 submitters: Uncertain significance (2). Last evaluated 2025-06-07.

Conditions:
Inborn genetic diseases. Identifiers: MedGen C0950123, MeSH D030342.

Allele frequency attached by ClinVar (database versions not stated): gnomAD exomes 0.00001; TOPMed 0.00002.
gnomAD v4.1: 3 of 1,614,234 alleles (0.00019%); highest among the groups gnomAD compares: Admixed American, 0.0033%; no homozygotes.

Submissions (2):

Ambry Genetics
Classification: Uncertain significance for Inborn genetic diseases. Last evaluated: 2025-06-07. Review status: criteria provided, single submitter. Criteria: Ambry Variant Classification Scheme 2023. Collection method: clinical testing. Allele origin: germline.

Labcorp Genetics (formerly Invitae), Labcorp
Classification: Uncertain significance. Last evaluated: 2022-07-11. Review status: criteria provided, single submitter. Criteria: Invitae Variant Classification Sherloc (09022015). Collection method: clinical testing. Allele origin: germline.
Comment: This sequence change replaces isoleucine, which is neutral and non-polar, with methionine, which is neutral and non-polar, at codon 108 of the ARL2BP protein (p.Ile108Met). This variant is present in population databases (no rsID available, gnomAD 0.006%). This missense change has been observed in individual(s) with clinical features of retinitis pigmentosa (Invitae). ClinVar contains an entry for this variant (Variation ID: 960871). Algorithms developed to predict the effect of missense changes on protein structure and function are either unavailable or do not agree on the potential impact of this missense change (SIFT: "Deleterious"; PolyPhen-2: "Possibly Damaging"; Align-GVGD: "Class C0"). In summary, the available evidence is currently insufficient to determine the role of this variant in disease. Therefore, it has been classified as a Variant of Uncertain Significance.

NM_012106.4(ARL2BP):c.324A>G (p.Ile108Met)

Gene: ARL2BP (ARF like GTPase 2 binding protein; plus strand). Cytogenetic location: 16q13.
Variant type: single nucleotide variant.
Coding change: c.324A>G on transcript NM_012106.4 (MANE Select); coding-DNA position 324, A replaced by G.
Protein change: p.Ile108Met; replaces isoleucine 108 with methionine.
Molecular consequence: missense variant.
Genome position (GRCh38, 1-based): chr16:57,250,441, A>G. VCF-style: chr16-57250441-A-G. GRCh37 (hg19) VCF-style: chr16-57284353-A-G.
Other names: short protein forms I108M.
Identifiers: ClinVar variation 960871 (VCV000960871.10), dbSNP rs1388203850, ClinGen allele CA396023398.